The following is an entry in ClinVar:

NM_001372044.2(SHANK3):c.4666C>T (p.Arg1556Trp)

Gene: SHANK3 (SH3 and multiple ankyrin repeat domains 3; plus strand). Cytogenetic location: 22q13.33.
Variant type: single nucleotide variant.
Coding change: c.4666C>T on transcript NM_001372044.2 (MANE Select); coding-DNA position 4666, C replaced by T.
Protein change: p.Arg1556Trp; replaces arginine 1556 with tryptophan.
Molecular consequence: missense variant.
Genome position (GRCh38, 1-based): chr22:50,722,274, C>T. VCF-style: chr22-50722274-C-T. GRCh37 (hg19) VCF-style: chr22-51160702-C-T.
Other names: c.4441C>T, p.Arg1481Trp (NM_033517.1); short protein forms R1481W, R1556W.
Identifiers: ClinVar variation 2230108 (VCV002230108.2), dbSNP rs1355926364, ClinGen allele CA515264987.

ClinVar aggregate classification (germline): Uncertain significance (1 of 4 stars; one submission).

Conditions:
Inborn genetic diseases. Identifiers: MedGen C0950123, MeSH D030342.

Allele frequency attached by ClinVar (database versions not stated): TOPMed below 0.00001.

Submission:

Ambry Genetics
Classification: Uncertain significance for Inborn genetic diseases. Last evaluated: 2021-04-28. Review status: criteria provided, single submitter. Criteria: Ambry Variant Classification Scheme 2023. Collection method: clinical testing. Allele origin: germline.
Comment: The c.4441C>T (p.R1481W) alteration is located in exon 21 (coding exon 21) of the SHANK3 gene. This alteration results from a C to T substitution at nucleotide position 4441, causing the arginine (R) at amino acid position 1481 to be replaced by a tryptophan (W). N/A Based on insufficient or conflicting evidence, the clinical significance of this alteration remains unclear.